The following is an entry in ClinVar:

ClinVar aggregate classification (germline): Uncertain significance. Review status: criteria provided, multiple submitters, no conflicts (2 of 4 stars). 3 submissions from 3 submitters: Uncertain significance (2). 1 of the submissions does not count toward it. Last evaluated 2026-07-06.

Conditions:
Hereditary cancer-predisposing syndrome. Also called: Neoplastic Syndromes, Hereditary; Hereditary Cancer Syndrome; Hereditary neoplastic syndrome; Tumor predisposition. Identifiers: Orphanet 140162, MedGen C0027672, MeSH D009386, MONDO:0015356.
Bloom syndrome (BLM). Also called: Bloom-Torre-Machacek syndrome. Identifiers: Orphanet 125, MedGen C0005859, MONDO:0008876, OMIM 210900.

Submissions (3):

Ambry Genetics
Classification: Uncertain significance for Hereditary cancer-predisposing syndrome. Last evaluated: 2026-07-06. Review status: criteria provided, single submitter. Criteria: Ambry Variant Classification Scheme 2023. Collection method: clinical testing. Allele origin: germline.
Comment: The p.P490S variant (also known as c.1468C>T), located in coding exon 6 of the BLM gene, results from a C to T substitution at nucleotide position 1468. The proline at codon 490 is replaced by serine, an amino acid with similar properties. This amino acid position is conserved. In addition, this alteration is predicted to be tolerated by in silico analysis. Based on the available evidence, the clinical significance of this variant remains unclear.

Labcorp Genetics (formerly Invitae), Labcorp
Classification: Uncertain significance for Bloom syndrome. Last evaluated: 2021-08-30. Review status: criteria provided, single submitter. Criteria: Invitae Variant Classification Sherloc (09022015). Collection method: clinical testing. Allele origin: germline.
Comment: This sequence change replaces proline with serine at codon 490 of the BLM protein (p.Pro490Ser). The proline residue is weakly conserved and there is a moderate physicochemical difference between proline and serine. This variant is not present in population databases (ExAC no frequency). This variant has not been reported in the literature in individuals affected with BLM-related conditions. Algorithms developed to predict the effect of missense changes on protein structure and function (SIFT, PolyPhen-2, Align-GVGD) all suggest that this variant is likely to be tolerated. Algorithms developed to predict the effect of sequence changes on RNA splicing suggest that this variant may create or strengthen a splice site. In summary, the available evidence is currently insufficient to determine the role of this variant in disease. Therefore, it has been classified as a Variant of Uncertain Significance.

Natera, Inc.
Classification: Uncertain significance for Bloom syndrome. Last evaluated: 2021-07-24. Review status: no assertion criteria provided. Collection method: clinical testing. Allele origin: germline. Not counted in ClinVar's aggregate classification.

NM_000057.4(BLM):c.1468C>T (p.Pro490Ser)

Gene: BLM (BLM RecQ like helicase; plus strand). Cytogenetic location: 15q26.1.
Variant type: single nucleotide variant.
Coding change: c.1468C>T on transcript NM_000057.4 (MANE Select); coding-DNA position 1468, C replaced by T.
Protein change: p.Pro490Ser; replaces proline 490 with serine.
Molecular consequence: missense variant.
Genome position (GRCh38, 1-based): chr15:90,760,841, C>T. VCF-style: chr15-90760841-C-T. GRCh37 (hg19) VCF-style: chr15-91304071-C-T.
Other names: c.1468C>T, p.Pro490Ser (NM_001287246.2, NM_001287247.2); c.343C>T, p.Pro115Ser (NM_001287248.2); c.1468C>T (NM_000057.2); short protein forms P490S, P115S.
Identifiers: ClinVar variation 582808 (VCV000582808.11), dbSNP rs1567041087, ClinGen allele CA393843124.
Genomic context (GRCh38, chr15:90,760,841, plus strand): 5'-CTGACTACCACCCTAGGAAAGACAGGATTCTCTGCCACCAGGAAGAATCTTTTTGAAAGG[C>T]CTTTATTCAATACCCATTTACAGAAGTCCTTTGTAAGTAGCAACTGGGCTGAAACACCAA-3'
Protein context (NP_000048.1, residues 480-500): SATRKNLFER[Pro490Ser]LFNTHLQKSF